The following is an entry in ClinVar:

NM_000179.3(MSH6):c.3918_3948dup (p.His1317Ter)

Gene: MSH6 (mutS homolog 6; plus strand). Cytogenetic location: 2p16.3.
Variant type: Duplication.
Coding change: c.3918_3948dup on transcript NM_000179.3 (MANE Select); coding-DNA positions 3918 to 3948, 31 bases duplicated.
Protein change: p.His1317Ter; replaces histidine 1317 with a stop codon.
Molecular consequence: nonsense. On other transcripts: frameshift variant (2), non-coding transcript variant (5), intron variant (1).
Genome position (GRCh38, 1-based): chr2:47,806,568-47,806,598, 31 bases duplicated. GRCh37 (hg19): chr2:48,033,707-48,033,737.
Other names: c.3918_3948dupTAATCTCCCAGAGGAAGTTATTCAAAAGGGA (NM_000179.2); c.3528_3558dup, p.His1187Ter (NM_001281492.2); c.3012_3042dup, p.His1015Ter (NM_001281493.2, NM_001281494.2, NM_001406811.1 and 6 more transcripts); c.4014_4044dup, p.His1349Ter (NM_001406795.1); c.3918_3948dup, p.His1317Ter (NM_001406796.1, NM_001406808.1, NM_001406809.1); c.3621_3651dup, p.His1218Ter (NM_001406797.1, NM_001406801.1, NM_001406805.1 and 10 more transcripts); c.3744_3774dup, p.His1259Ter (NM_001406798.1); c.3393_3423dup, p.His1142Ter (NM_001406799.1, NM_001406806.1, NM_001406807.1); and 10 more; short protein forms H1015*, H1187*, H1218*, H1291*, H1349*, H266*, H795*, H1317*.
Identifiers: ClinVar variation 3296406 (VCV003296406.3).

ClinVar aggregate classification (germline): Pathogenic/Likely pathogenic. Review status: criteria provided, multiple submitters, no conflicts (2 of 4 stars). 2 submissions from 2 submitters: Pathogenic (1); Likely pathogenic (1). Last evaluated 2026-09-03.

Conditions:
Lynch syndrome 5 (LYNCH5). Also called: Colorectal cancer, hereditary nonpolyposis, type 5; Hereditary non-polyposis colorectal cancer, type 5. Identifiers: Orphanet 144, MedGen C1833477, MONDO:0013710, OMIM 614350. Disease mechanism: loss of function.
Hereditary cancer-predisposing syndrome. Also called: Neoplastic Syndromes, Hereditary; Tumor predisposition; Hereditary Cancer Syndrome; Hereditary neoplastic syndrome. Identifiers: Orphanet 140162, MedGen C0027672, MeSH D009386, MONDO:0015356.

Submissions (2):

Ambry Genetics
Classification: Likely pathogenic for Hereditary cancer-predisposing syndrome. Last evaluated: 2026-09-03. Review status: criteria provided, single submitter. Criteria: Ambry Variant Classification Scheme 2023. Collection method: clinical testing. Allele origin: germline.
Comment: The c.3918_3948dup31 variant, located in coding exon 9 of the MSH6 gene, results from a duplication of TAATCTCCCAGAGGAAGTTATTCAAAAGGGA at nucleotide position 3918, causing a translational frameshift with a predicted alternate stop codon (p.H1317*). This alteration occurs at the 3' terminus of theMSH6 gene, is not expected to trigger nonsense-mediated mRNA decay, and only impacts the last 3.23% of the protein. However, premature stop codons are typically deleterious in nature and the impacted region is critical for protein function (Ambry internal data). This variant is considered to be rare based on population cohorts in the Genome Aggregation Database (gnomAD). Based on the majority of available evidence to date, this variant is likely to be pathogenic.

Molecular Diagnostics Laboratory, M Health Fairview: University of Minnesota
Classification: Pathogenic for Lynch syndrome 5. Last evaluated: 2026-04-15. Review status: criteria provided, single submitter. Criteria: ACMG Guidelines, 2015. Collection method: clinical testing. Allele origin: germline. Affected: yes.
Comment: The c.3918_3948dup (p.His1317*) frameshift variant is predicted to result in a premature stop codon in the MSH6 gene. This variant occurs in exon 9 of the gene, which consists of 10 exons. This variant is absent from the gnomAD (v4.1.1) database of approximately 807,000 controls. This variant has been reported as likely pathogenic by one submitting laboratory in ClinVar. This variant was not identified in a review of relevant medical literature. Based on the available evidence, this variant is classified as pathogenic.